The following is an entry in ClinVar:

ClinVar aggregate classification (germline): Uncertain significance (1 of 4 stars; one submission).

Submission:

Labcorp Genetics (formerly Invitae), Labcorp
Classification: Uncertain significance. Last evaluated: 2025-07-28. Review status: criteria provided, single submitter. Criteria: Invitae Variant Classification Sherloc (09022015). Collection method: clinical testing. Allele origin: germline.
Comment: This sequence change replaces glycine, which is neutral and non-polar, with glutamic acid, which is acidic and polar, at codon 371 of the RELA protein (p.Gly371Glu). This variant is not present in population databases (gnomAD no frequency). This variant has not been reported in the literature in individuals affected with RELA-related conditions. ClinVar contains an entry for this variant (Variation ID: 3683837). An algorithm developed to predict the effect of missense changes on protein structure and function outputs the following: PolyPhen-2: "Benign". The glutamic acid amino acid residue is found in multiple mammalian species, which suggests that this missense change does not adversely affect protein function. In summary, the available evidence is currently insufficient to determine the role of this variant in disease. Therefore, it has been classified as a Variant of Uncertain Significance.

NM_021975.4(RELA):c.1112G>A (p.Gly371Glu)

Gene: RELA (RELA proto-oncogene, NF-kB subunit; minus strand). Cytogenetic location: 11q13.1.
Variant type: single nucleotide variant.
Coding change: c.1112G>A on transcript NM_021975.4 (MANE Select); coding-DNA position 1112, G replaced by A.
Protein change: p.Gly371Glu; replaces glycine 371 with glutamic acid.
Molecular consequence: missense variant. On other transcripts: intron variant (1).
Genome position (GRCh38, 1-based): chr11:65,654,922, C>T on the plus strand (G>A on the coding strand, the complement: RELA is on the minus strand). VCF-style: chr11-65654922-C-T. GRCh37 (hg19) VCF-style: chr11-65422393-C-T.
Other names: c.1103G>A, p.Gly368Glu (NM_001145138.2); c.1112G>A, p.Gly371Glu (NM_001243985.2); c.1145G>A, p.Gly382Glu (NM_001404657.1); c.1085G>A, p.Gly362Glu (NM_001404658.1); c.899G>A, p.Gly300Glu (NM_001404659.1); c.794G>A, p.Gly265Glu (NM_001404660.1); c.731G>A, p.Gly244Glu (NM_001404661.1); c.1019G>A, p.Gly340Glu (NM_001404662.1, NM_001404663.1); and 1 more; short protein forms G244E, G340E, G371E, G382E, G265E, G300E, G362E, G368E.
Identifiers: ClinVar variation 3683837 (VCV003683837.2).